The following is an entry in ClinVar:

NM_014009.4(FOXP3):c.47_53del (p.Leu16fs)

Gene: FOXP3 (forkhead box P3; minus strand). Cytogenetic location: Xp11.23.
Variant type: Microsatellite.
Coding change: c.47_53del on transcript NM_014009.4 (MANE Select); coding-DNA positions 47 to 53, 7 bases deleted (TTGGCCC; older notation c.47_53delTTGGCCC).
Protein change: p.Leu16fs; shifts the reading frame from leucine 16.
Molecular consequence: frameshift variant.
Genome position (GRCh38, 1-based): chrX:49,258,453-49,258,459, GGGCCAA deleted on the plus strand (TTGGCCC on the coding strand, the reverse complement: FOXP3 is on the minus strand); deleting any 7 consecutive bases within chrX:49,258,453-49,258,468 gives the same sequence; the c. name uses the placement nearest the transcript's 3' end. VCF-style (leftmost placement, unchanged base first): chrX-49258452-TGGGCCAA-T. GRCh37 (hg19) VCF-style: chrX-49114909-TGGGCCAA-T.
Other names: c.47_53delTTGGCCC (NM_014009.4); c.47_53del, p.Leu16fs (NM_001114377.2); short protein forms L16fs.
Identifiers: ClinVar variation 4853249 (VCV004853249.1).

ClinVar aggregate classification (germline): Pathogenic (1 of 4 stars; one submission).

Conditions:
Insulin-dependent diabetes mellitus secretory diarrhea syndrome (IPEX). Also called: DIABETES MELLITUS, CONGENITAL INSULIN-DEPENDENT, WITH FATAL SECRETORY DIARRHEA; DIARRHEA, POLYENDOCRINOPATHY, FATAL INFECTION SYNDROME, X-LINKED; ENTEROPATHY, AUTOIMMUNE, WITH HEMOLYTIC ANEMIA AND POLYENDOCRINOPATHY; IMMUNODEFICIENCY, POLYENDOCRINOPATHY, AND ENTEROPATHY, X-LINKED; Immunodysregulation, polyendocrinopathy, and enteropathy, X-linked; X-Linked Autoimmunity-Allergic Dysregulation Syndrome. Identifiers: Orphanet 37042, MedGen C0342288, MONDO:0010580, OMIM 304790. Disease mechanism: loss of function.

Submission:

Women's Health and Genetics/Laboratory Corporation of America, LabCorp
Classification: Pathogenic for Insulin-dependent diabetes mellitus secretory diarrhea syndrome. Last evaluated: 2026-05-12. Review status: criteria provided, single submitter. Criteria: LabCorp Variant Classification Summary - May 2015. Collection method: clinical testing. Allele origin: germline.
Comment: Variant summary: FOXP3 c.47_53delTTGGCCC (p.Leu16HisfsX44) results in a premature termination codon, predicted to cause a truncation of the encoded protein or absence of the protein due to nonsense mediated decay, which are commonly known mechanisms for disease. The frequency data for this variant in gnomAD is considered unreliable, as metrics indicate poor data quality at this position. To our knowledge, no occurrence of c.47_53delTTGGCCC in individuals affected with FOXP3-related conditions and no experimental evidence demonstrating its impact on protein function have been reported. No submitters have cited clinical-significance assessments for this variant to ClinVar. Based on the evidence outlined above, the variant was classified as pathogenic.